The following is an entry in ClinVar:

ClinVar aggregate classification (germline): Uncertain significance (1 of 4 stars; one submission).

Conditions:
Hereditary cancer-predisposing syndrome. Also called: Tumor predisposition; Hereditary Cancer Syndrome; Hereditary neoplastic syndrome; Neoplastic Syndromes, Hereditary. Identifiers: Orphanet 140162, MedGen C0027672, MeSH D009386, MONDO:0015356.

Submission:

Ambry Genetics
Classification: Uncertain significance for Hereditary cancer-predisposing syndrome. Last evaluated: 2024-04-04. Review status: criteria provided, single submitter. Criteria: Ambry Variant Classification Scheme 2023. Collection method: clinical testing. Allele origin: germline.
Comment: The p.Q2804P variant (also known as c.8411A>C), located in coding exon 15 of the APC gene, results from an A to C substitution at nucleotide position 8411. The glutamine at codon 2804 is replaced by proline, an amino acid with similar properties. This amino acid position is conserved. In addition, in silico predictors for this gene do not accurately predict pathogenicity. Based on the available evidence, the clinical significance of this variant remains unclear.

NM_000038.6(APC):c.8411A>C (p.Gln2804Pro)

Gene: APC (APC regulator of Wnt signaling pathway; plus strand). Cytogenetic location: 5q22.2.
Variant type: single nucleotide variant.
Coding change: c.8411A>C on transcript NM_000038.6 (MANE Select); coding-DNA position 8411, A replaced by C.
Protein change: p.Gln2804Pro; replaces glutamine 2804 with proline.
Molecular consequence: missense variant. On other transcripts: non-coding transcript variant (2).
Genome position (GRCh38, 1-based): chr5:112,844,005, A>C. VCF-style: chr5-112844005-A-C. GRCh37 (hg19) VCF-style: chr5-112179702-A-C.
Other names: c.8411A>C, p.Gln2804Pro (NM_001127510.3, NM_001354895.2, NM_001407450.1); c.8357A>C, p.Gln2786Pro (NM_001127511.3); c.8465A>C, p.Gln2822Pro (NM_001354896.2, NM_001407447.1, NM_001407448.1 and 1 more transcripts); c.8441A>C, p.Gln2814Pro (NM_001354897.2); c.8336A>C, p.Gln2779Pro (NM_001354898.2); c.8327A>C, p.Gln2776Pro (NM_001354899.2); c.8288A>C, p.Gln2763Pro (NM_001354900.2); c.8234A>C, p.Gln2745Pro (NM_001354901.2, NM_001407453.1); and 11 more; short protein forms Q2521P, Q2776P, Q2794P, Q2822P, Q2644P, Q2675P, Q2779P, Q2797P.
Identifiers: ClinVar variation 3304483 (VCV003304483.1).
Genomic context (GRCh38, chr5:112,844,005, plus strand): 5'-TTAATTACAACCCAAGCCCTAGGAAAAGCAGCGCAGATAGCACTTCAGCTCGGCCATCTC[A>C]GATCCCAACTCCAGTGAATAACAACACAAAGAAGCGAGATTCCAAAACTGACAGCACAGA-3'
Protein context (NP_000029.2, residues 2794-2814): SADSTSARPS[Gln2804Pro]IPTPVNNNTK